The following is an entry in ClinVar:

ClinVar aggregate classification (germline): Uncertain significance (1 of 4 stars; one submission).

Conditions:
GATA6-related congenital heart disease with or without pancreatic hypoplasia or diabetes. Also called: GATA6-related congenital heart disease with or without pancreatic agenesis or neonatal diabetes. Identifiers: MedGen CN377182, MONDO:0100540.

Submission:

Fetal and Placental Pathology Unit, Hospital Habib Bougatfa
Classification: Uncertain significance for GATA6-related congenital heart disease with or without pancreatic hypoplasia or diabetes. Last evaluated: 2024-10-31. Review status: criteria provided, single submitter. Criteria: ACMG Guidelines, 2015. Collection method: provider interpretation. Allele origin: germline. Inheritance: Autosomal dominant inheritance. Affected: yes. Observed: 1 heterozygote.
Comment: This variant is classified as VUS-leaning pathogenic according to the ACMG criteria. It is absent in all population databases (PM2), predicted to have a deleterious effect on the gene, which is supported by several in-silico tools (PP3) with an aggregated prediction score of 0.84, and is in the mutational hotspot exon 4 that encodes the highly conserved C-terminal zinc finger domain (PM1). Cross-species alignment of GATA6 protein sequence and protein analysis by ConSurf tool demonstrate highly conserved glutamic acid at codon 462. Five pathogenic or likely pathogenic reported missense or loss-of-function variants are found in a 54bp region surrounding

NM_005257.6(GATA6):c.1385A>G (p.Glu462Gly)

Gene: GATA6 (GATA binding protein 6; plus strand). Cytogenetic location: 18q11.2.
Variant type: single nucleotide variant.
Coding change: c.1385A>G on transcript NM_005257.6 (MANE Select); coding-DNA position 1385, A replaced by G.
Protein change: p.Glu462Gly; replaces glutamic acid 462 with glycine.
Molecular consequence: missense variant.
Genome position (GRCh38, 1-based): chr18:22,181,535, A>G. VCF-style: chr18-22181535-A-G. GRCh37 (hg19) VCF-style: chr18-19761496-A-G.
Other names: short protein forms E462G.
Identifiers: ClinVar variation 3370395 (VCV003370395.3).
Genomic context (GRCh38, chr18:22,181,535, plus strand): 5'-TGTCCTGTGCCAACTGTCACACCACAACTACCACCTTATGGCGCAGAAACGCCGAGGGTG[A>G]ACCCGTGTGCAATGCTTGTGGACTCTACATGAAACTCCATGGGGTATGCCATGTATTCTG-3'
Protein context (NP_005248.2, residues 452-472): TTLWRRNAEG[Glu462Gly]PVCNACGLYM